The following is an entry in ClinVar:

NM_004006.3(DMD):c.2737G>A (p.Ala913Thr)

Gene: DMD (dystrophin; minus strand). Cytogenetic location: Xp21.1.
Variant type: single nucleotide variant.
Coding change: c.2737G>A on transcript NM_004006.3 (MANE Select); coding-DNA position 2737, G replaced by A.
Protein change: p.Ala913Thr; replaces alanine 913 with threonine.
Molecular consequence: missense variant.
Genome position (GRCh38, 1-based): chrX:32,484,985, C>T on the plus strand (G>A on the coding strand, the complement: DMD is on the minus strand). VCF-style: chrX-32484985-C-T. GRCh37 (hg19) VCF-style: chrX-32503102-C-T.
Other names: c.2713G>A, p.Ala905Thr (NM_000109.4); c.2725G>A, p.Ala909Thr (NM_004009.3); c.2368G>A, p.Ala790Thr (NM_004010.3); short protein forms A790T, A913T, A909T, A905T.
Identifiers: ClinVar variation 4748642 (VCV004748642.2).

ClinVar aggregate classification (germline): Uncertain significance. Review status: criteria provided, multiple submitters, no conflicts (2 of 4 stars). 2 submissions from 2 submitters: Uncertain significance (2). Last evaluated 2025-12-31.

Conditions:
Duchenne muscular dystrophy (DMD). Also called: MUSCULAR DYSTROPHY, PSEUDOHYPERTROPHIC PROGRESSIVE, DUCHENNE TYPE; Duchenne Muscular Dystrophy (DMD). Identifiers: Orphanet 98896, MedGen C0013264, MONDO:0010679, OMIM 310200.
Cardiovascular phenotype. Identifiers: MedGen CN230736.

gnomAD v4.1: 1 of 1,209,798 alleles (0.000083%); highest among the groups gnomAD compares: African/African-American, 0.0017%; no homozygotes.

Submissions (2):

Ambry Genetics
Classification: Uncertain significance for Cardiovascular phenotype. Last evaluated: 2025-12-31. Review status: criteria provided, single submitter. Criteria: Ambry Variant Classification Scheme 2023. Collection method: clinical testing. Allele origin: germline.

Labcorp Genetics (formerly Invitae), Labcorp
Classification: Uncertain significance for Duchenne muscular dystrophy. Last evaluated: 2025-09-26. Review status: criteria provided, single submitter. Criteria: Invitae Variant Classification Sherloc (09022015). Collection method: clinical testing. Allele origin: germline.
Comment: This sequence change replaces alanine, which is neutral and non-polar, with threonine, which is neutral and polar, at codon 913 of the DMD protein (p.Ala913Thr). This variant is not present in population databases (gnomAD no frequency). This variant has not been reported in the literature in individuals affected with DMD-related conditions. Invitae Evidence Modeling of protein sequence and biophysical properties (such as structural, functional, and spatial information, amino acid conservation, physicochemical variation, residue mobility, and thermodynamic stability) indicates that this missense variant is not expected to disrupt DMD protein function with a negative predictive value of 95%. In summary, the available evidence is currently insufficient to determine the role of this variant in disease. Therefore, it has been classified as a Variant of Uncertain Significance.